The following is an entry in ClinVar:

ClinVar aggregate classification (germline): Uncertain significance (1 of 4 stars; one submission).

Conditions:
MRAP2-related disorder. Also called: MRAP2-related condition.

gnomAD v4.1: 1 of 1,614,106 alleles (0.000062%); highest among the groups gnomAD compares: Admixed American, 0.0017%; no homozygotes.

Submission:

PreventionGenetics, part of Exact Sciences
Classification: Uncertain significance for MRAP2-related condition. Last evaluated: 2025-08-16. Review status: criteria provided, single submitter. Criteria: ACMG Guidelines, 2015. Collection method: clinical testing. Allele origin: germline.
Comment: The MRAP2 c.200T>C variant is predicted to result in the amino acid substitution p.Leu67Pro. To our knowledge, this variant has not been reported in the literature. This variant is reported in 0.12% of alleles in individuals of Latino descent in gnomAD. At this time, the clinical significance of this variant is uncertain due to the absence of conclusive functional and genetic evidence.

NM_138409.4(MRAP2):c.200T>C (p.Leu67Pro)

Gene: MRAP2 (melanocortin 2 receptor accessory protein 2; plus strand). Cytogenetic location: 6q14.2.
Variant type: single nucleotide variant.
Coding change: c.200T>C on transcript NM_138409.4 (MANE Select); coding-DNA position 200, T replaced by C.
Protein change: p.Leu67Pro; replaces leucine 67 with proline.
Molecular consequence: missense variant. On other transcripts: 5 prime UTR variant (1), intron variant (1).
Genome position (GRCh38, 1-based): chr6:84,062,965, T>C. VCF-style: chr6-84062965-T-C. GRCh37 (hg19) VCF-style: chr6-84772684-T-C.
Other names: c.200T>C, p.Leu67Pro (NM_001346542.2, NM_001346544.2); c.-60T>C (NM_001346543.2); c.-32+7520T>C (NM_001346541.2); short protein forms L67P.
Identifiers: ClinVar variation 4977590 (VCV004977590.1).